The following is an entry in ClinVar:

ClinVar aggregate classification (germline): Uncertain significance (1 of 4 stars; one submission).

Conditions:
Primary dilated cardiomyopathy (DCM). Also called: Dilated Cardiomyopathy. Identifiers: Orphanet 217604, MedGen C0007193, MeSH D002311, MONDO:0005021, HP:0001644. Inheritance: Various modes of inheritance.
Hypertrophic cardiomyopathy. Also called: HYPERTROPHIC MYOCARDIOPATHY. Identifiers: Orphanet 217569, MedGen C0007194, MeSH D002312, MONDO:0005045, HP:0001639.

gnomAD v4.1: 3 of 1,613,482 alleles (0.00019%); highest among the groups gnomAD compares: African/African-American, 0.004%; no homozygotes.

Submission:

Labcorp Genetics (formerly Invitae), Labcorp
Classification: Uncertain significance for Hypertrophic cardiomyopathy; Primary dilated cardiomyopathy. Last evaluated: 2025-06-27. Review status: criteria provided, single submitter. Criteria: Invitae Variant Classification Sherloc (09022015). Collection method: clinical testing. Allele origin: germline.
Comment: This sequence change falls in intron 6 of the PDLIM3 gene. It does not directly change the encoded amino acid sequence of the PDLIM3 protein. It affects a nucleotide within the consensus splice site. The frequency data for this variant in the population databases is considered unreliable, as metrics indicate poor data quality at this position in the gnomAD database. This variant has not been reported in the literature in individuals affected with PDLIM3-related conditions. Variants that disrupt the consensus splice site are a relatively common cause of aberrant splicing (PMID: 17576681, 9536098). Algorithms developed to predict the effect of sequence changes on RNA splicing suggest that this variant may disrupt the consensus splice site. In summary, the available evidence is currently insufficient to determine the role of this variant in disease. Therefore, it has been classified as a Variant of Uncertain Significance.

Literature cited by the submitters: PubMed 17576681; PubMed 9536098.

NM_014476.6(PDLIM3):c.793+5G>A

Gene: PDLIM3 (PDZ and LIM domain 3; minus strand). Cytogenetic location: 4q35.1.
Variant type: single nucleotide variant.
Coding change: c.793+5G>A on transcript NM_014476.6 (MANE Select); 5 bases into the intron after coding-DNA position 793, G replaced by A.
Molecular consequence: intron variant.
Genome position (GRCh38, 1-based): chr4:185,506,517, C>T on the plus strand (G>A on the coding strand, the complement: PDLIM3 is on the minus strand). VCF-style: chr4-185506517-C-T. GRCh37 (hg19) VCF-style: chr4-186427671-C-T.
Other names: c.292+5G>A (NM_001257963.2); c.529+5G>A (NM_001257962.2); c.649+5G>A (NM_001114107.5).
Identifiers: ClinVar variation 4793235 (VCV004793235.1).